The following is an entry in ClinVar:

ClinVar aggregate classification (germline): Uncertain significance (1 of 4 stars; one submission).

Conditions:
Long QT syndrome (LQTS). Identifiers: MedGen C0023976, MeSH D008133, MONDO:0002442. Disease mechanism: loss of function. Inheritance: Various modes of inheritance.

Submission:

Labcorp Genetics (formerly Invitae), Labcorp
Classification: Uncertain significance for Long QT syndrome. Last evaluated: 2023-07-07. Review status: criteria provided, single submitter. Criteria: Invitae Variant Classification Sherloc (09022015). Collection method: clinical testing. Allele origin: germline.
Comment: This variant is not present in population databases (gnomAD no frequency). This sequence change replaces methionine, which is neutral and non-polar, with isoleucine, which is neutral and non-polar, at codon 2 of the ANK2 protein (p.Met2Ile). This variant has not been reported in the literature in individuals affected with ANK2-related conditions. In summary, the available evidence is currently insufficient to determine the role of this variant in disease. Therefore, it has been classified as a Variant of Uncertain Significance. Algorithms developed to predict the effect of missense changes on protein structure and function output the following: SIFT: "Not Available"; PolyPhen-2: "Benign"; Align-GVGD: "Not Available". The isoleucine amino acid residue is found in multiple mammalian species, which suggests that this missense change does not adversely affect protein function. ClinVar contains an entry for this variant (Variation ID: 2091980).

NM_001148.6(ANK2):c.6G>A (p.Met2Ile)

Gene: ANK2 (ankyrin 2; plus strand). Cytogenetic location: 4q25.
Variant type: single nucleotide variant.
Coding change: c.6G>A on transcript NM_001148.6 (MANE Select); coding-DNA position 6, G replaced by A.
Protein change: p.Met2Ile; replaces methionine 2 with isoleucine.
Molecular consequence: missense variant. On other transcripts: intron variant (43).
Genome position (GRCh38, 1-based): chr4:113,049,734, G>A. VCF-style: chr4-113049734-G-A. GRCh37 (hg19) VCF-style: chr4-113970890-G-A.
Other names: c.22-124682G>A (NM_001386142.1, NM_001354274.2, NM_001386154.1 and 33 more transcripts); c.22-101346G>A (NM_001354261.2, NM_001386147.1, NM_001386160.1); c.6G>A, p.Met2Ile (NM_001354225.2, NM_001354228.2, NM_001354232.2 and 10 more transcripts); c.73-124682G>A (NM_001386186.2, NM_001386148.2, NM_001354269.3 and 1 more transcripts); short protein forms M2I.
Identifiers: ClinVar variation 2091980 (VCV002091980.4), dbSNP rs2548732770, ClinGen allele CA357992638.